The following is an entry in ClinVar:

ClinVar aggregate classification (germline): Likely benign (1 of 4 stars; one submission).

Allele frequency attached by ClinVar (database versions not stated): ExAC 0.00008.

Submission:

CeGaT Center for Human Genetics Tuebingen
Classification: Likely benign. Last evaluated: 2023-01-01. Review status: criteria provided, single submitter. Criteria: CeGaT Center For Human Genetics Tuebingen Variant Classification Criteria Version 2. Collection method: clinical testing. Allele origin: germline. Affected: yes. Observed: 1 variant allele.
Comment: TUBB8B: BP4, BP7

NM_001358689.2(TUBB8B):c.225T>C (p.Ser75=)

Gene: TUBB8B (tubulin beta 8B; minus strand). Cytogenetic location: 18p11.32.
Variant type: single nucleotide variant.
Coding change: c.225T>C on transcript NM_001358689.2 (MANE Select); coding-DNA position 225, T replaced by C.
Protein change: p.Ser75=; no amino-acid change (serine 75 retained).
Molecular consequence: synonymous variant. On other transcripts: missense variant (1).
Genome position (GRCh38, 1-based): chr18:48,992, A>G on the plus strand (T>C on the coding strand, the complement: TUBB8B is on the minus strand). VCF-style: chr18-48992-A-G. GRCh37 (hg19) VCF-style: chr18-48992-A-G.
Other names: c.9T>C, p.Ser3= (NM_001389609.1); c.149T>C, p.Leu50Pro (NM_001389610.1); short protein forms L50P.
Identifiers: ClinVar variation 2648508 (VCV002648508.24), dbSNP rs751460900, ClinGen allele CA8865193.